The following is an entry in ClinVar:

ClinVar aggregate classification (germline): Likely benign (1 of 4 stars; one submission).

Allele frequency attached by ClinVar (database versions not stated): ESP Exome Variant Server 0.00272; 1000 Genomes Project 30x 0.00484; 1000 Genomes Project 0.00719.

Submission:

CeGaT Center for Human Genetics Tuebingen
Classification: Likely benign. Last evaluated: 2025-11-01. Review status: criteria provided, single submitter. Criteria: CeGaT Center For Human Genetics Tuebingen Variant Classification Criteria Version 2. Collection method: clinical testing. Allele origin: germline. Affected: yes. Observed: 7 variant alleles.
Comment: AHNAK2: BP4, BP7

NM_138420.4(AHNAK2):c.3555G>A (p.Ser1185=)

Gene: AHNAK2 (AHNAK nucleoprotein 2; minus strand). Cytogenetic location: 14q32.33.
Variant type: single nucleotide variant.
Coding change: c.3555G>A on transcript NM_138420.4 (MANE Select); coding-DNA position 3555, G replaced by A.
Protein change: p.Ser1185=; no amino-acid change (serine 1185 retained).
Molecular consequence: synonymous variant.
Genome position (GRCh38, 1-based): chr14:104,951,896, C>T on the plus strand (G>A on the coding strand, the complement: AHNAK2 is on the minus strand). VCF-style: chr14-104951896-C-T. GRCh37 (hg19) VCF-style: chr14-105418233-C-T.
Other names: c.3255G>A, p.Ser1085= (NM_001350929.2).
Identifiers: ClinVar variation 2644847 (VCV002644847.24), dbSNP rs192601801, ClinGen allele CA7382939.
Genomic context (GRCh38, chr14:104,951,896, plus strand): 5'-GTCCCCCTGCATGGAGGGGAGACTCACGTCGGCCTCCACTTTGGGTGCAGACACATCCAC[C>T]GAGGCCTCGATGGACTTGCCTGGGGCTGACGCCCCGAACGATGGCATCTTGAACTTGGGC-3'
Protein context (NP_612429.2, residues 1175-1195): ASAPGKSIEA[Ser1185=]VDVSAPKVEA